The following is an entry in ClinVar:

ClinVar aggregate classification (germline): Likely benign. Review status: criteria provided, multiple submitters, no conflicts (2 of 4 stars). 2 submissions from 2 submitters: Likely benign (2). Last evaluated 2025-05-04.

Submissions (2):

Labcorp Genetics (formerly Invitae), Labcorp
Classification: Likely benign. Last evaluated: 2025-05-04. Review status: criteria provided, single submitter. Criteria: Invitae Variant Classification Sherloc (09022015). Collection method: clinical testing. Allele origin: germline.

Women's Health and Genetics/Laboratory Corporation of America, LabCorp
Classification: Likely benign. Last evaluated: 2024-08-30. Review status: criteria provided, single submitter. Criteria: LabCorp Variant Classification Summary - May 2015. Collection method: clinical testing. Allele origin: germline.
Comment: Variant summary: ANO6 c.345+11delG alters a nucleotide located at a position not widely known to affect splicing. Consensus agreement among computation tools predict no significant impact on normal splicing. However, these predictions have yet to be confirmed by functional studies. The variant allele was found at a frequency of 4.4e-05 in 250796 control chromosomes. This frequency is not significantly higher than estimated for a pathogenic variant in ANO6 causing Scott Syndrome, allowing no conclusion about variant significance. To our knowledge, no occurrence of c.345+11delG in individuals affected with Scott Syndrome and no experimental evidence demonstrating its impact on protein function have been reported. ClinVar contains an entry for this variant (Variation ID: 2045435). Based on the evidence outlined above, the variant was classified as likely benign.

NM_001025356.3(ANO6):c.345+11del

Gene: ANO6 (anoctamin 6; plus strand). Cytogenetic location: 12q12.
Variant type: Deletion.
Coding change: c.345+11del on transcript NM_001025356.3 (MANE Select); 11 bases into the intron after coding-DNA position 345, one base deleted (G; older notation c.345+11delG).
Molecular consequence: intron variant.
Genome position (GRCh38, 1-based): chr12:45,347,098, G deleted; the last of 2 consecutive G bases (chr12:45,347,097-45,347,098); deleting either gives the same sequence. VCF-style (leftmost placement, unchanged base first): chr12-45347096-TG-T. GRCh37 (hg19) VCF-style: chr12-45740879-TG-T.
Other names: c.345+11delG (NM_001025356.3); c.345+11del (NM_001142679.2); c.408+11del (NM_001204803.2); c.291+11del (NM_001142678.2).
Identifiers: ClinVar variation 2045435 (VCV002045435.5), dbSNP rs760741952, ClinGen allele CA6524966.